The following is an entry in ClinVar:

NM_014927.5(CNKSR2):c.286G>A (p.Ala96Thr)

Gene: CNKSR2 (connector enhancer of kinase suppressor of Ras 2; plus strand). Cytogenetic location: Xp22.12.
Variant type: single nucleotide variant.
Coding change: c.286G>A on transcript NM_014927.5 (MANE Select); coding-DNA position 286, G replaced by A.
Protein change: p.Ala96Thr; replaces alanine 96 with threonine.
Molecular consequence: missense variant.
Genome position (GRCh38, 1-based): chrX:21,432,669, G>A. VCF-style: chrX-21432669-G-A. GRCh37 (hg19) VCF-style: chrX-21450787-G-A.
Other names: c.286G>A, p.Ala96Thr (NM_001168647.3, NM_001168648.3, NM_001168649.3 and 4 more transcripts); short protein forms A96T.
Identifiers: ClinVar variation 1711941 (VCV001711941.2), dbSNP rs2518807154, ClinGen allele CA412552128.

ClinVar aggregate classification (germline): Uncertain significance (1 of 4 stars; one submission).

Submission:

GeneDx
Classification: Uncertain significance. Last evaluated: 2022-03-28. Review status: criteria provided, single submitter. Criteria: GeneDx Variant Classification Process June 2021. Collection method: clinical testing. Allele origin: germline. Affected: yes.
Comment: Not observed at significant frequency in large population cohorts (gnomAD); In silico analysis supports that this missense variant does not alter protein structure/function; Has not been previously published as pathogenic or benign to our knowledge